The following is an entry in ClinVar:

NM_001376013.1(EPB41):c.238T>C (p.Ser80Pro)

Gene: EPB41 (erythrocyte membrane protein band 4.1; plus strand). Cytogenetic location: 1p35.3.
Variant type: single nucleotide variant.
Coding change: c.238T>C on transcript NM_001376013.1 (MANE Select); coding-DNA position 238, T replaced by C.
Protein change: p.Ser80Pro; replaces serine 80 with proline.
Molecular consequence: missense variant. On other transcripts: 5 prime UTR variant (10).
Genome position (GRCh38, 1-based): chr1:28,987,675, T>C. VCF-style: chr1-28987675-T-C. GRCh37 (hg19) VCF-style: chr1-29314187-T-C.
Other names: c.238T>C, p.Ser80Pro (NM_001166005.2, NM_001166006.2, NM_001376014.1 and 8 more transcripts); c.-390T>C (NM_001166007.2, NM_001376022.1, NM_001376023.1 and 5 more transcripts); c.-470T>C (NM_004437.4, NM_203342.3); short protein forms S80P.
Identifiers: ClinVar variation 3662461 (VCV003662461.2).

ClinVar aggregate classification (germline): Uncertain significance (1 of 4 stars; one submission).

gnomAD v4.1: 2 of 1,614,206 alleles (0.00012%); highest among the groups gnomAD compares: Admixed American, 0.0017%; no homozygotes.

Submission:

Labcorp Genetics (formerly Invitae), Labcorp
Classification: Uncertain significance. Last evaluated: 2025-04-01. Review status: criteria provided, single submitter. Criteria: Invitae Variant Classification Sherloc (09022015). Collection method: clinical testing. Allele origin: germline.
Comment: The EPB41 gene has multiple clinically relevant transcripts. This variant occurs in alternate transcript NM_001166005.1, and corresponds to NM_004437.3:c.-470T>C in the primary transcript. This sequence change replaces serine, which is neutral and polar, with proline, which is neutral and non-polar, at codon 80 of the EPB41 protein (p.Ser80Pro). This variant is present in population databases (no rsID available, gnomAD 0.003%). This variant has not been reported in the literature in individuals affected with EPB41-related conditions. Experimental studies and prediction algorithms are not available or were not evaluated, and the functional significance of this variant is currently unknown. In summary, the available evidence is currently insufficient to determine the role of this variant in disease. Therefore, it has been classified as a Variant of Uncertain Significance.